The following is an entry in ClinVar:

NM_001048174.2(MUTYH):c.1102+5C>G

Gene: MUTYH (mutY DNA glycosylase; minus strand). Cytogenetic location: 1p34.1.
Variant type: single nucleotide variant.
Coding change: c.1102+5C>G on transcript NM_001048174.2 (MANE Select); 5 bases into the intron after coding-DNA position 1102, C replaced by G.
Molecular consequence: intron variant.
Genome position (GRCh38, 1-based): chr1:45,331,656, G>C on the plus strand (C>G on the coding strand, the complement: MUTYH is on the minus strand). VCF-style: chr1-45331656-G-C. GRCh37 (hg19) VCF-style: chr1-45797328-G-C.
Other names: c.757+5C>G (NM_001350651.2, NM_001350650.2); c.826+5C>G (NM_001293192.2, NM_001293196.2); c.1102+5C>G (NM_001048171.2, NM_001048173.2, NM_001293195.2); c.1147+5C>G (NM_001293190.2); c.1177+5C>G (NM_012222.3); c.1186+5C>G (NM_001128425.2); c.1105+5C>G (NM_001048172.2); c.1135+5C>G (NM_001293191.2).
Identifiers: ClinVar variation 481798 (VCV000481798.12), dbSNP rs1553126284, ClinGen allele CA658656921.

ClinVar aggregate classification (germline): Conflicting classifications of pathogenicity. Review status: criteria provided, conflicting classifications (1 of 4 stars). 3 submissions from 3 submitters: Uncertain significance (1); Likely benign (2). Last evaluated 2025-05-05.

Conditions:
Hereditary cancer-predisposing syndrome. Also called: Hereditary neoplastic syndrome; Hereditary Cancer Syndrome; Neoplastic Syndromes, Hereditary; Tumor predisposition. Identifiers: Orphanet 140162, MedGen C0027672, MeSH D009386, MONDO:0015356.
Familial adenomatous polyposis 2. Also called: MYH-associated polyposis; COLORECTAL ADENOMATOUS POLYPOSIS, AUTOSOMAL RECESSIVE; ADENOMAS, MULTIPLE COLORECTAL, AUTOSOMAL RECESSIVE; MUTYH-related attenuated familial adenomatous polyposis; Adenomas, multiple colorectal; FAP type 2. Identifiers: Orphanet 220460, Orphanet 247798, MedGen C3272841, MONDO:0012041, OMIM 608456.

Submissions (3):

Labcorp Genetics (formerly Invitae), Labcorp
Classification: Likely benign for Familial adenomatous polyposis 2. Last evaluated: 2025-05-05. Review status: criteria provided, single submitter. Criteria: Invitae Variant Classification Sherloc (09022015). Collection method: clinical testing. Allele origin: germline.

Ambry Genetics
Classification: Uncertain significance for Hereditary cancer-predisposing syndrome. Last evaluated: 2025-04-11. Review status: criteria provided, single submitter. Criteria: Ambry Variant Classification Scheme 2023. Collection method: clinical testing. Allele origin: germline.
Comment: The c.1186+5C>G intronic variant results from a C to G substitution 5 nucleotides after coding exon 12 in the MUTYH gene. This nucleotide position is highly conserved in available vertebrate species. In silico splice site analysis predicts that this alteration will not have any significant effect on splicing. Based on the available evidence, the clinical significance of this variant remains unclear.

GeneDx
Classification: Likely benign. Last evaluated: 2017-07-10. Review status: criteria provided, single submitter. Criteria: GeneDx Variant Classification (06012015). Collection method: clinical testing. Allele origin: germline. Affected: yes.
Comment: This variant is considered likely benign or benign based on one or more of the following criteria: it is a conservative change, it occurs at a poorly conserved position in the protein, it is predicted to be benign by multiple in silico algorithms, and/or has population frequency not consistent with disease.